The following is an entry in ClinVar:

NM_003628.6(PKP4):c.1934G>A (p.Cys645Tyr)

Gene: PKP4 (plakophilin 4; plus strand). Cytogenetic location: 2q24.1.
Variant type: single nucleotide variant.
Coding change: c.1934G>A on transcript NM_003628.6 (MANE Select); coding-DNA position 1934, G replaced by A.
Protein change: p.Cys645Tyr; replaces cysteine 645 with tyrosine.
Molecular consequence: missense variant.
Genome position (GRCh38, 1-based): chr2:158,658,155, G>A. VCF-style: chr2-158658155-G-A. GRCh37 (hg19) VCF-style: chr2-159514667-G-A.
Other names: c.1934G>A, p.Cys645Tyr (NM_001005476.4, NM_001304971.2, NM_001377218.1 and 1 more transcripts); c.1931G>A, p.Cys644Tyr (NM_001304969.3, NM_001377219.1, NM_001377220.1 and 2 more transcripts); c.905G>A, p.Cys302Tyr (NM_001304970.3); c.1928G>A, p.Cys643Tyr (NM_001377222.1, NM_001377223.1); c.1925G>A, p.Cys642Tyr (NM_001377224.1); short protein forms C643Y, C645Y, C644Y, C302Y, C642Y.
Identifiers: ClinVar variation 2464966 (VCV002464966.3), dbSNP rs777901856, ClinGen allele CA1920839.
Genomic context (GRCh38, chr2:158,658,155, plus strand): 5'-CTCTATTTGTTTGATTTTTTAAATCTCCTTTTTTAGGAGTTCTTTGGAATTTATCCTCAT[G>A]TGATGCTGTAAAAATGACAATCATTCGAGATGCTCTCTCAACCTTAACAAACACTGTGAT-3'
Protein context (NP_003619.2, residues 635-655): VTGVLWNLSS[Cys645Tyr]DAVKMTIIRD

ClinVar aggregate classification (germline): Uncertain significance (1 of 4 stars; one submission).

Allele frequency attached by ClinVar (database versions not stated): gnomAD 0.00001; gnomAD exomes 0.00001; TOPMed 0.00002; ExAC 0.00004.
gnomAD v4.1: 14 of 1,602,278 alleles (0.00087%); highest among the groups gnomAD compares: East Asian, 0.02%; no homozygotes.

Submission:

Ambry Genetics
Classification: Uncertain significance. Last evaluated: 2025-08-06. Review status: criteria provided, single submitter. Criteria: Ambry Variant Classification Scheme 2023. Collection method: clinical testing. Allele origin: germline.
Comment: The p.C645Y variant (also known as c.1934G>A), located in coding exon 11 of the PKP4 gene, results from a G to A substitution at nucleotide position 1934. The cysteine at codon 645 is replaced by tyrosine, an amino acid with highly dissimilar properties. This amino acid position is conserved. In addition, this alteration is predicted to be deleterious by in silico analysis. Since supporting evidence is limited at this time, the clinical significance of this alteration remains unclear.